The following is an entry in ClinVar:

NM_001164508.2(NEB):c.23476_23479dup (p.Ser7827fs)

Genes: NEB (nebulin; minus strand), RIF1 (replication timing regulatory factor 1; plus strand). Cytogenetic location: 2q23.3.
Variant type: Duplication.
Coding change: c.23476_23479dup on transcript NM_001164508.2 (MANE Select); coding-DNA positions 23476 to 23479, 4 bases duplicated (AACA; older notation c.23476_23479dupAACA).
Protein change: p.Ser7827fs; shifts the reading frame from serine 7827.
Molecular consequence: frameshift variant.
Genome position (GRCh38, 1-based): chr2:151,506,986-151,506,989, TGTT duplicated on the plus strand (AACA on the coding strand, the reverse complement: NEB is on the minus strand); duplicating any 4 consecutive bases within chr2:151,506,986-151,506,990 gives the same sequence; the c. name uses the placement nearest the transcript's 3' end. VCF-style (leftmost placement, unchanged base first): chr2-151506985-C-CTGTT. GRCh37 (hg19) VCF-style: chr2-152363499-C-CTGTT.
Other names: c.23476_23479dup, p.Ser7827fs (NM_001164507.2); c.23581_23584dup, p.Ser7862fs (NM_001271208.2); c.18373_18376dup, p.Ser6126fs (NM_004543.5); short protein forms S6126fs, S7862fs, S7827fs.
Identifiers: ClinVar variation 2712928 (VCV002712928.3), dbSNP rs2552010058, ClinGen allele CA2697551051.

ClinVar aggregate classification (germline): Pathogenic (1 of 4 stars; one submission).

Conditions:
Nemaline myopathy 2 (NEM2). Also called: Nemaline myopathy 2, autosomal recessive. Identifiers: MedGen C1850569, MONDO:0009725, OMIM 256030.

Submission:

Labcorp Genetics (formerly Invitae), Labcorp
Classification: Pathogenic for Nemaline myopathy 2. Last evaluated: 2023-06-14. Review status: criteria provided, single submitter. Criteria: Invitae Variant Classification Sherloc (09022015). Collection method: clinical testing. Allele origin: germline.
Comment: This sequence change creates a premature translational stop signal (p.Ser7862Lysfs*3) in the NEB gene. It is expected to result in an absent or disrupted protein product. Loss-of-function variants in NEB are known to be pathogenic (PMID: 25205138). This variant is not present in population databases (gnomAD no frequency). This variant has not been reported in the literature in individuals affected with NEB-related conditions. For these reasons, this variant has been classified as Pathogenic.

Literature cited by the submitters: PubMed 25205138.